The following is an entry in ClinVar:

NM_021930.6(RINT1):c.1004G>T (p.Trp335Leu)

Gene: RINT1 (RAD50 interactor 1; plus strand). Cytogenetic location: 7q22.3.
Variant type: single nucleotide variant.
Coding change: c.1004G>T on transcript NM_021930.6 (MANE Select); coding-DNA position 1004, G replaced by T.
Protein change: p.Trp335Leu; replaces tryptophan 335 with leucine.
Molecular consequence: missense variant. On other transcripts: 5 prime UTR variant (2), non-coding transcript variant (1).
Genome position (GRCh38, 1-based): chr7:105,550,062, G>T. VCF-style: chr7-105550062-G-T. GRCh37 (hg19) VCF-style: chr7-105190509-G-T.
Other names: c.770G>T, p.Trp257Leu (NM_001346599.2); c.-20G>T (NM_001346600.2, NM_001346603.2); c.80G>T, p.Trp27Leu (NM_001346601.2); short protein forms W27L, W257L, W335L.
Identifiers: ClinVar variation 852782 (VCV000852782.12), dbSNP rs151337665, ClinGen allele CA4426583.
Genomic context (GRCh38, chr7:105,550,062, plus strand): 5'-AACTTTCTAATTGGAATGACTTAAGAATTCAAACTATTTTCCTCCTTCCTTAGCCAGAAT[G>T]GTACTTGGCTCAAGTACTTATGTGGATTGGAAACCATACTGAATTTCTGGATGAGAAGAT-3'
Protein context (NP_068749.3, residues 325-345): RQTNVLSKPE[Trp335Leu]YLAQVLMWIG

ClinVar aggregate classification (germline): Uncertain significance. Review status: criteria provided, multiple submitters, no conflicts (2 of 4 stars). 2 submissions from 2 submitters: Uncertain significance (2). Last evaluated 2024-09-18.

Allele frequency attached by ClinVar (database versions not stated): gnomAD exomes 0.00002 and 0.00003; gnomAD 0.00003 and 0.00004; ExAC 0.00004; TOPMed 0.00006; ESP Exome Variant Server 0.00008.
gnomAD v4.1: 38 of 1,594,956 alleles (0.0024%); highest among the groups gnomAD compares: Middle Eastern, 0.017%; no homozygotes.

Submissions (2):

Labcorp Genetics (formerly Invitae), Labcorp
Classification: Uncertain significance. Last evaluated: 2024-09-18. Review status: criteria provided, single submitter. Criteria: Invitae Variant Classification Sherloc (09022015). Collection method: clinical testing. Allele origin: germline.
Comment: This sequence change replaces tryptophan, which is neutral and slightly polar, with leucine, which is neutral and non-polar, at codon 335 of the RINT1 protein (p.Trp335Leu). This variant is present in population databases (rs151337665, gnomAD 0.007%). This variant has not been reported in the literature in individuals affected with RINT1-related conditions. ClinVar contains an entry for this variant (Variation ID: 852782). An algorithm developed to predict the effect of missense changes on protein structure and function (PolyPhen-2) suggests that this variant is likely to be disruptive. In summary, the available evidence is currently insufficient to determine the role of this variant in disease. Therefore, it has been classified as a Variant of Uncertain Significance.

Ambry Genetics
Classification: Uncertain significance. Last evaluated: 2024-03-16. Review status: criteria provided, single submitter. Criteria: Ambry Variant Classification Scheme 2023. Collection method: clinical testing. Allele origin: germline.
Comment: The p.W335L variant (also known as c.1004G>T), located in coding exon 8 of the RINT1 gene, results from a G to T substitution at nucleotide position 1004. The tryptophan at codon 335 is replaced by leucine, an amino acid with similar properties. This amino acid position is conserved. In addition, the in silico prediction for this alteration is inconclusive. Since supporting evidence is limited at this time, the clinical significance of this alteration remains unclear.